The following is an entry in ClinVar:

ClinVar aggregate classification (germline): Pathogenic (1 of 4 stars; one submission).

Conditions:
Ehlers-Danlos syndrome, dermatosparaxis type. Also called: EDS VIIC; Dermatosparaxis; Ehlers-Danlos syndrome, type VII, autosomal recessive. Identifiers: Orphanet 1901, MedGen C2700425, MONDO:0009161, OMIM 225410.

Submission:

Myriad Genetics, Inc.
Classification: Pathogenic for Ehlers-Danlos syndrome, dermatosparaxis type. Last evaluated: 2024-05-14. Review status: criteria provided, single submitter. Criteria: Myriad Autosomal Dominant, Autosomal Recessive and X-Linked Classification Criteria (2023). Collection method: clinical testing. Allele origin: unknown.
Comment: NM_014244.4(ADAMTS2):c.78_79ins13(L27Rfs*43) is expected to be pathogenic in the context of Ehlers-Danlos syndrome, ADAMTS2-related. This variant is predicted to lead to an abnormal or absent protein product due to the creation of a premature termination codon in ADAMTS2, a gene where loss-of-function variants are known to be pathogenic. Please note: this variant was assessed in the context of healthy population screening.

NM_014244.5(ADAMTS2):c.78_79insAGACGGGTTTATA (p.Leu27fs)

Gene: ADAMTS2 (ADAM metallopeptidase with thrombospondin type 1 motif 2; minus strand). Cytogenetic location: 5q35.3.
Variant type: Insertion.
Coding change: c.78_79insAGACGGGTTTATA on transcript NM_014244.5 (MANE Select); coding-DNA positions 78 to 79, AGACGGGTTTATA inserted.
Protein change: p.Leu27fs; shifts the reading frame from leucine 27.
Molecular consequence: frameshift variant.
Genome position: GRCh38 VCF-style: chr5-179345250-G-GTATAAACCCGTCT. GRCh37 (hg19) VCF-style: chr5-178772251-G-GTATAAACCCGTCT.
Other names: c.78_79insAGACGGGTTTATA, p.Leu27fs (NM_021599.4); short protein forms L27fs.
Identifiers: ClinVar variation 5010480 (VCV005010480.1).
Genomic context (GRCh38, chr5:179,345,250, plus strand): 5'-CTGGGGGGTCGGCGGCGGCGGCGAGCCTGGCGTTCGCGGGCGGCGGCGGCGGCGGCAGGA[G>GTATAAACCCGTCT]CGGCGGCGGCAGCAGCAGCAGCAGCAGCAGCAGCGCGGGGCAGAGCAGGCGGCGAGCGGC-3'